The following is an entry in ClinVar:

NM_014991.6(WDFY3):c.6940C>T (p.His2314Tyr)

Gene: WDFY3 (WD repeat and FYVE domain containing 3; minus strand). Cytogenetic location: 4q21.23.
Variant type: single nucleotide variant.
Coding change: c.6940C>T on transcript NM_014991.6 (MANE Select); coding-DNA position 6940, C replaced by T.
Protein change: p.His2314Tyr; replaces histidine 2314 with tyrosine.
Molecular consequence: missense variant.
Genome position (GRCh38, 1-based): chr4:84,735,096, G>A on the plus strand (C>T on the coding strand, the complement: WDFY3 is on the minus strand). VCF-style: chr4-84735096-G-A. GRCh37 (hg19) VCF-style: chr4-85656249-G-A.
Other names: short protein forms H2314Y.
Identifiers: ClinVar variation 3365158 (VCV003365158.2).

ClinVar aggregate classification (germline): Uncertain significance. Review status: criteria provided, multiple submitters, no conflicts (2 of 4 stars). 2 submissions from 2 submitters: Uncertain significance (2). Last evaluated 2025-10-06.

Conditions:
Inborn genetic diseases. Identifiers: MedGen C0950123, MeSH D030342.

Submissions (2):

Ambry Genetics
Classification: Uncertain significance for Inborn genetic diseases. Last evaluated: 2025-10-06. Review status: criteria provided, single submitter. Criteria: Ambry Variant Classification Scheme 2023. Collection method: clinical testing. Allele origin: germline.

GeneDx
Classification: Uncertain significance. Last evaluated: 2023-12-06. Review status: criteria provided, single submitter. Criteria: GeneDx Variant Classification Process June 2021. Collection method: clinical testing. Allele origin: germline. Affected: yes.
Comment: Not observed at significant frequency in large population cohorts (gnomAD); In silico analysis supports that this missense variant has a deleterious effect on protein structure/function; Has not been previously published as pathogenic or benign to our knowledge